The following is an entry in ClinVar:

NM_000540.3(RYR1):c.13644G>C (p.Gln4548His)

Gene: RYR1 (ryanodine receptor 1; plus strand). Cytogenetic location: 19q13.2.
Variant type: single nucleotide variant.
Coding change: c.13644G>C on transcript NM_000540.3 (MANE Select); coding-DNA position 13644, G replaced by C.
Protein change: p.Gln4548His; replaces glutamine 4548 with histidine.
Molecular consequence: missense variant.
Genome position (GRCh38, 1-based): chr19:38,567,902, G>C. VCF-style: chr19-38567902-G-C. GRCh37 (hg19) VCF-style: chr19-39058542-G-C.
Other names: c.13629G>C, p.Gln4543His (NM_001042723.2); short protein forms Q4543H, Q4548H.
Identifiers: ClinVar variation 3385605 (VCV003385605.1).

ClinVar aggregate classification (germline): Uncertain significance (1 of 4 stars; one submission).

Conditions:
Malignant hyperthermia, susceptibility to, 1 (MHS1). Also called: Anesthesia related hyperthermia; Malignant hyperpyrexia; Fulminating hyperpyrexia; Pharmacogenic myopathy; Malignant hyperthermia suceptibility 1; RYR1-Related Malignant Hyperthermia Susceptibility. Identifiers: Orphanet 423, MedGen C2930980, MONDO:0007783, OMIM 145600.

Submission:

All of Us Research Program, National Institutes of Health
Classification: Uncertain significance for Malignant hyperthermia, susceptibility to, 1. Last evaluated: 2024-07-29. Review status: criteria provided, single submitter. Criteria: ACMG Guidelines, 2015. Collection method: clinical testing. Allele origin: germline. Inheritance: Autosomal dominant inheritance. Observed: 1 variant allele, 1 heterozygote.
Comment: This missense variant replaces glutamine with histidine at codon 4548 of the RYR1 protein. Computational prediction is inconclusive regarding the impact of this variant on protein structure and function (internally defined REVEL score threshold 0.5 < inconclusive < 0.7, PMID: 27666373). To our knowledge, functional studies have not been reported for this variant. This variant has not been reported in individuals affected with RYR1-related disorders in the literature. This variant has not been identified in the general population by the Genome Aggregation Database (gnomAD). The available evidence is insufficient to determine the role of this variant in disease conclusively. Therefore, this variant is classified as a Variant of Uncertain Significance.

This study involves interpretation of variants in research participants for the purpose of population health screening. Participant phenotype was not available at the time of variant classification. Additional details can be found in publication PMID: 35346344, PMCID: PMC8962531